The following is an entry in ClinVar:

ClinVar aggregate classification (germline): Uncertain significance (1 of 4 stars; one submission).

gnomAD v4.1: 4 of 1,610,834 alleles (0.00025%); highest among the groups gnomAD compares: African/African-American, 0.004%; no homozygotes.

Submission:

Labcorp Genetics (formerly Invitae), Labcorp
Classification: Uncertain significance. Last evaluated: 2025-03-07. Review status: criteria provided, single submitter. Criteria: Invitae Variant Classification Sherloc (09022015). Collection method: clinical testing. Allele origin: germline.
Comment: This sequence change replaces isoleucine, which is neutral and non-polar, with valine, which is neutral and non-polar, at codon 365 of the ANGPT1 protein (p.Ile365Val). This variant is present in population databases (no rsID available, gnomAD 0.01%). This variant has not been reported in the literature in individuals affected with ANGPT1-related conditions. An algorithm developed to predict the effect of missense changes on protein structure and function (PolyPhen-2) suggests that this variant is likely to be tolerated. In summary, the available evidence is currently insufficient to determine the role of this variant in disease. Therefore, it has been classified as a Variant of Uncertain Significance.

NM_001146.5(ANGPT1):c.1093A>G (p.Ile365Val)

Gene: ANGPT1 (angiopoietin 1; minus strand). Cytogenetic location: 8q23.1.
Variant type: single nucleotide variant.
Coding change: c.1093A>G on transcript NM_001146.5 (MANE Select); coding-DNA position 1093, A replaced by G.
Protein change: p.Ile365Val; replaces isoleucine 365 with valine.
Molecular consequence: missense variant.
Genome position (GRCh38, 1-based): chr8:107,284,794, T>C on the plus strand (A>G on the coding strand, the complement: ANGPT1 is on the minus strand). VCF-style: chr8-107284794-T-C. GRCh37 (hg19) VCF-style: chr8-108297022-T-C.
Other names: c.1090A>G, p.Ile364Val (NM_001199859.3); c.493A>G, p.Ile165Val (NM_001314051.2); short protein forms I165V, I364V, I365V.
Identifiers: ClinVar variation 4706893 (VCV004706893.1).